The following is an entry in ClinVar:

NM_001018113.3(FANCB):c.127T>A (p.Leu43Ile)

Gene: FANCB (FA complementation group B; minus strand). Cytogenetic location: Xp22.2.
Variant type: single nucleotide variant.
Coding change: c.127T>A on transcript NM_001018113.3 (MANE Select); coding-DNA position 127, T replaced by A.
Protein change: p.Leu43Ile; replaces leucine 43 with isoleucine.
Molecular consequence: missense variant. On other transcripts: non-coding transcript variant (1).
Genome position (GRCh38, 1-based): chrX:14,865,384, A>T on the plus strand (T>A on the coding strand, the complement: FANCB is on the minus strand). VCF-style: chrX-14865384-A-T. GRCh37 (hg19) VCF-style: chrX-14883506-A-T.
Other names: c.127T>A (NM_001018113.2); c.127T>A, p.Leu43Ile (NM_001324162.2, NM_152633.4); short protein forms L43I.
Identifiers: ClinVar variation 435140 (VCV000435140.40), dbSNP rs771007866, ClinGen allele CA10353231.

ClinVar aggregate classification (germline): Conflicting classifications of pathogenicity. Review status: criteria provided, conflicting classifications (1 of 4 stars). 7 submissions from 7 submitters: Uncertain significance (2); Benign (2); Likely benign (2). 1 of the submissions does not count toward it. Last evaluated 2026-06-01.

Conditions:
FANCB-related disorder. Also called: FANCB-related condition.
Fanconi anemia (FA). Also called: Fanconi's anemia. Identifiers: Orphanet 84, MedGen C0015625, MeSH D005199, MONDO:0019391.

Allele frequency attached by ClinVar (database versions not stated): gnomAD 0.00007 and 0.00008; TOPMed 0.00010; gnomAD exomes 0.00012; ExAC 0.00014.
gnomAD v4.1: 140 of 1,204,167 alleles (0.012%); highest among the groups gnomAD compares: Non-Finnish European, 0.014%; no homozygotes.

Submissions (7):

CeGaT Center for Human Genetics Tuebingen
Classification: Likely benign. Last evaluated: 2026-06-01. Review status: criteria provided, single submitter. Criteria: CeGaT Center For Human Genetics Tuebingen Variant Classification Criteria Version 2. Collection method: clinical testing. Allele origin: germline. Affected: yes. Observed: 6 variant alleles.
Comment: FANCB: PM5, BP4, BS2

Labcorp Genetics (formerly Invitae), Labcorp
Classification: Benign for Fanconi anemia. Last evaluated: 2026-01-14. Review status: criteria provided, single submitter. Criteria: Invitae Variant Classification Sherloc (09022015). Collection method: clinical testing. Allele origin: germline.

Blueprint Genetics
Classification: Likely benign. Last evaluated: 2024-10-17. Review status: criteria provided, single submitter. Criteria: ACMG Guidelines, 2015. Collection method: clinical testing. Allele origin: germline.

Institute for Clinical Genetics, University Hospital TU Dresden, University Hospital TU Dresden
Classification: Uncertain significance. Last evaluated: 2021-11-03. Review status: criteria provided, single submitter. Criteria: ACMG Guidelines, 2015. Collection method: clinical testing. Allele origin: germline.

Sema4
Classification: Benign for Fanconi anemia. Last evaluated: 2020-08-10. Review status: criteria provided, single submitter. Criteria: Sema4 Curation Guidelines. Collection method: curation. Allele origin: germline.

Genetic Services Laboratory, University of Chicago
Classification: Uncertain significance. Last evaluated: 2017-04-03. Review status: criteria provided, single submitter. Criteria: ACMG Guidelines, 2015. Collection method: clinical testing. Allele origin: germline. Affected: no.

PreventionGenetics, part of Exact Sciences
Classification: Likely benign for FANCB-related condition. Last evaluated: 2024-08-14. Review status: no assertion criteria provided. Collection method: clinical testing. Allele origin: germline. Not counted in ClinVar's aggregate classification.
Comment: This variant is classified as likely benign based on ACMG/AMP sequence variant interpretation guidelines (Richards et al. 2015 PMID: 25741868, with internal and published modifications).